The following is an entry in ClinVar:

ClinVar aggregate classification (germline): Uncertain significance (1 of 4 stars; one submission).

Conditions:
T-B+ severe combined immunodeficiency due to JAK3 deficiency. Also called: SCID, autosomal recessive, T-negative/B-positive type; SCID, T CELL-NEGATIVE, B CELL-POSITIVE, NK CELL-NEGATIVE. Identifiers: Orphanet 35078, MedGen C1833275, MONDO:0010938, OMIM 600802.

Allele frequency attached by ClinVar (database versions not stated): TOPMed below 0.00001; gnomAD 0.00001; gnomAD exomes 0.00002.
gnomAD v4.1: 5 of 1,552,020 alleles (0.00032%); highest among the groups gnomAD compares: Admixed American, 0.0078%; no homozygotes.

Submission:

Labcorp Genetics (formerly Invitae), Labcorp
Classification: Uncertain significance for T-B+ severe combined immunodeficiency due to JAK3 deficiency. Last evaluated: 2021-05-07. Review status: criteria provided, single submitter. Criteria: Invitae Variant Classification Sherloc (09022015). Collection method: clinical testing. Allele origin: germline.
Comment: This sequence change replaces glutamic acid with glutamine at codon 374 of the JAK3 protein (p.Glu374Gln). The glutamic acid residue is weakly conserved and there is a small physicochemical difference between glutamic acid and glutamine. In summary, the available evidence is currently insufficient to determine the role of this variant in disease. Therefore, it has been classified as a Variant of Uncertain Significance. Advanced modeling of protein sequence and biophysical properties (such as structural, functional, and spatial information, amino acid conservation, physicochemical variation, residue mobility, and thermodynamic stability) performed at Invitae indicates that this missense variant is not expected to disrupt JAK3 protein function. This variant has not been reported in the literature in individuals with JAK3-related conditions. This variant is not present in population databases (ExAC no frequency).

NM_000215.4(JAK3):c.1120G>C (p.Glu374Gln)

Gene: JAK3 (Janus kinase 3; minus strand). Cytogenetic location: 19p13.11.
Variant type: single nucleotide variant.
Coding change: c.1120G>C on transcript NM_000215.4 (MANE Select); coding-DNA position 1120, G replaced by C.
Protein change: p.Glu374Gln; replaces glutamic acid 374 with glutamine.
Molecular consequence: missense variant.
Genome position (GRCh38, 1-based): chr19:17,841,411, C>G on the plus strand (G>C on the coding strand, the complement: JAK3 is on the minus strand). VCF-style: chr19-17841411-C-G. GRCh37 (hg19) VCF-style: chr19-17952220-C-G.
Other names: short protein forms E374Q.
Identifiers: ClinVar variation 1347705 (VCV001347705.6), dbSNP rs769243134, ClinGen allele CA404771036.